The following is an entry in ClinVar:

NM_001110556.2(FLNA):c.261G>A (p.Lys87=)

Gene: FLNA (filamin A; minus strand). Cytogenetic location: Xq28.
Variant type: single nucleotide variant.
Coding change: c.261G>A on transcript NM_001110556.2 (MANE Select); coding-DNA position 261, G replaced by A.
Protein change: p.Lys87=; no amino-acid change (lysine 87 retained).
Molecular consequence: synonymous variant.
Genome position (GRCh38, 1-based): chrX:154,370,985, C>T on the plus strand (G>A on the coding strand, the complement: FLNA is on the minus strand). VCF-style: chrX-154370985-C-T. GRCh37 (hg19) VCF-style: chrX-153599353-C-T.
Other names: c.261G>A, p.Lys87= (NM_001456.4); c.261G>A (NM_001110556.1).
Identifiers: ClinVar variation 510231 (VCV000510231.4), dbSNP rs1557180187, ClinGen allele CA519277373.

ClinVar aggregate classification (germline): Likely benign. Review status: criteria provided, multiple submitters, no conflicts (2 of 4 stars). 3 submissions from 3 submitters: Likely benign (2). 1 of the submissions does not count toward it. Last evaluated 2025-08-12.

Conditions:
FLNA-related disorder.
Familial thoracic aortic aneurysm and aortic dissection (TAAD). Also called: Thoracic aortic aneurysms and dissections. Identifiers: Orphanet 91387, MedGen C4707243, MONDO:0019625.

Allele frequency attached by ClinVar (database versions not stated): gnomAD exomes below 0.00001.
gnomAD v4.1: 3 of 1,211,019 alleles (0.00025%); highest among the groups gnomAD compares: Middle Eastern, 0.023%; no homozygotes.

Submissions (3):

Ambry Genetics
Classification: Likely benign for Familial thoracic aortic aneurysm and aortic dissection. Last evaluated: 2025-08-12. Review status: criteria provided, single submitter. Criteria: Ambry Variant Classification Scheme 2023. Collection method: clinical testing. Allele origin: germline.

GeneDx
Classification: Likely benign. Last evaluated: 2017-06-20. Review status: criteria provided, single submitter. Criteria: GeneDx Variant Classification (06012015). Collection method: clinical testing. Allele origin: germline. Affected: yes.
Comment: This variant is considered likely benign or benign based on one or more of the following criteria: it is a conservative change, it occurs at a poorly conserved position in the protein, it is predicted to be benign by multiple in silico algorithms, and/or has population frequency not consistent with disease.

PreventionGenetics, part of Exact Sciences
Classification: Likely benign for FLNA-related condition. Last evaluated: 2019-07-15. Review status: no assertion criteria provided. Collection method: clinical testing. Allele origin: germline. Not counted in ClinVar's aggregate classification.
Comment: This variant is classified as likely benign based on ACMG/AMP sequence variant interpretation guidelines (Richards et al. 2015 PMID: 25741868, with internal and published modifications).